The following is an entry in ClinVar:

ClinVar aggregate classification (germline): Likely pathogenic (1 of 4 stars; one submission).

Conditions:
Deafness. Identifiers: MedGen C0011053.

Allele frequency attached by ClinVar (database versions not stated): gnomAD exomes below 0.00001; gnomAD 0.00001; TOPMed 0.00001.

Submission:

Dubai Health Genomic Medicine Center, Dubai Health
Classification: Likely pathogenic for Deafness. Last evaluated: 2024-10-04. Review status: criteria provided, single submitter. Criteria: ACMG Guidelines, 2015. Collection method: research. Allele origin: germline. Affected: yes.
Comment: PM2, PP3, PP4, PP1_Moderate

NM_001042702.5(PJVK):c.667+6T>A

Gene: PJVK (pejvakin; plus strand). Cytogenetic location: 2q31.2.
Variant type: single nucleotide variant.
Coding change: c.667+6T>A on transcript NM_001042702.5 (MANE Select); 6 bases into the intron after coding-DNA position 667, T replaced by A.
Molecular consequence: intron variant.
Genome position (GRCh38, 1-based): chr2:178,458,633, T>A. VCF-style: chr2-178458633-T-A. GRCh37 (hg19) VCF-style: chr2-179323360-T-A.
Other names: c.190+6T>A (NM_001353777.1, NM_001353778.2); c.676+6T>A (NM_001353775.2); c.772+6T>A (NM_001353776.2); c.667+6T>A (NM_001369912.1).
Identifiers: ClinVar variation 1810222 (VCV001810222.2), dbSNP rs1025933713, ClinGen allele CA60947420.